The following is an entry in ClinVar:

NM_138713.4(NFAT5):c.4643C>T (p.Ser1548Phe)

Gene: NFAT5 (nuclear factor of activated T cells 5; plus strand). Cytogenetic location: 16q22.1.
Variant type: single nucleotide variant.
Coding change: c.4643C>T on transcript NM_138713.4 (MANE Select); coding-DNA position 4643, C replaced by T.
Protein change: p.Ser1548Phe; replaces serine 1548 with phenylalanine.
Molecular consequence: missense variant.
Genome position (GRCh38, 1-based): chr16:69,695,364, C>T. VCF-style: chr16-69695364-C-T. GRCh37 (hg19) VCF-style: chr16-69729267-C-T.
Other names: c.4640C>T, p.Ser1547Phe (NM_001113178.3); c.3968C>T, p.Ser1323Phe (NM_001367709.1); c.4589C>T, p.Ser1530Phe (NM_006599.4); c.4361C>T, p.Ser1454Phe (NM_138714.4, NM_173214.3, NM_173215.3); short protein forms S1323F, S1530F, S1548F, S1454F, S1547F.
Identifiers: ClinVar variation 3693131 (VCV003693131.2).

ClinVar aggregate classification (germline): Uncertain significance (1 of 4 stars; one submission).

Conditions:
Immunodeficiency. Identifiers: MedGen C0021051, MONDO:0021094, HP:0002721.

Submission:

Labcorp Genetics (formerly Invitae), Labcorp
Classification: Uncertain significance for Immunodeficiency. Last evaluated: 2024-11-04. Review status: criteria provided, single submitter. Criteria: Invitae Variant Classification Sherloc (09022015). Collection method: clinical testing. Allele origin: germline.
Comment: This sequence change replaces serine, which is neutral and polar, with phenylalanine, which is neutral and non-polar, at codon 1454 of the NFAT5 protein (p.Ser1454Phe). This variant is not present in population databases (gnomAD no frequency). This variant has not been reported in the literature in individuals affected with NFAT5-related conditions. An algorithm developed to predict the effect of missense changes on protein structure and function (PolyPhen-2) suggests that this variant is likely to be tolerated. In summary, the available evidence is currently insufficient to determine the role of this variant in disease. Therefore, it has been classified as a Variant of Uncertain Significance.